The following is an entry in ClinVar:

ClinVar aggregate classification (germline): Uncertain significance (1 of 4 stars; one submission).

Submission:

Ambry Genetics
Classification: Uncertain significance. Last evaluated: 2021-09-03. Review status: criteria provided, single submitter. Criteria: Ambry Variant Classification Scheme 2023. Collection method: clinical testing. Allele origin: germline.
Comment: The p.V2601A variant (also known as c.7802T>C), located in coding exon 58 of the PRKDC gene, results from a T to C substitution at nucleotide position 7802. The valine at codon 2601 is replaced by alanine, an amino acid with similar properties. This amino acid position is conserved. Since supporting evidence is limited at this time, the clinical significance of this alteration remains unclear.

NM_006904.7(PRKDC):c.7802T>C (p.Val2601Ala)

Gene: PRKDC (protein kinase, DNA-activated, catalytic subunit; minus strand). Cytogenetic location: 8q11.21.
Variant type: single nucleotide variant.
Coding change: c.7802T>C on transcript NM_006904.7 (MANE Select); coding-DNA position 7802, T replaced by C.
Protein change: p.Val2601Ala; replaces valine 2601 with alanine.
Molecular consequence: missense variant.
Genome position (GRCh38, 1-based): chr8:47,836,487, A>G on the plus strand (T>C on the coding strand, the complement: PRKDC is on the minus strand). VCF-style: chr8-47836487-A-G. GRCh37 (hg19) VCF-style: chr8-48749048-A-G.
Other names: c.7802T>C, p.Val2601Ala (NM_001081640.2); short protein forms V2601A.
Identifiers: ClinVar variation 1760699 (VCV001760699.2), dbSNP rs2551867356, ClinGen allele CA371151274.